The following is an entry in ClinVar:

ClinVar aggregate classification (germline): Likely benign. Review status: criteria provided, multiple submitters, no conflicts (2 of 4 stars). 3 submissions from 3 submitters: Likely benign (2). 1 of the submissions does not count toward it. Last evaluated 2025-09-02.

Conditions:
DHX37-related disorder. Also called: DHX37-related condition; DHX37-Related Disorders.

Allele frequency attached by ClinVar (database versions not stated): TOPMed 0.00040; ESP Exome Variant Server 0.00046; gnomAD exomes 0.00061; 1000 Genomes Project 30x 0.00016; gnomAD 0.00037.
gnomAD v4.1: 923 of 1,595,854 alleles (0.058%); highest among the groups gnomAD compares: Non-Finnish European, 0.073%; no homozygotes.

Submissions (7):

Labcorp Genetics (formerly Invitae), Labcorp
Classification: Likely benign. Last evaluated: 2025-09-02. Review status: criteria provided, single submitter. Criteria: Invitae Variant Classification Sherloc (09022015). Collection method: clinical testing. Allele origin: germline.

CeGaT Center for Human Genetics Tuebingen
Classification: Likely benign. Last evaluated: 2025-04-01. Review status: criteria provided, single submitter. Criteria: CeGaT Center For Human Genetics Tuebingen Variant Classification Criteria Version 2. Collection method: clinical testing. Allele origin: germline. Affected: yes. Observed: 2 variant alleles.
Comment: DHX37: BP4, BP7

PreventionGenetics, part of Exact Sciences
Classification: Likely benign for DHX37-related condition. Last evaluated: 2020-01-02. Review status: no assertion criteria provided. Collection method: clinical testing. Allele origin: germline. Not counted in ClinVar's aggregate classification.
Comment: This variant is classified as likely benign based on ACMG/AMP sequence variant interpretation guidelines (Richards et al. 2015 PMID: 25741868, with internal and published modifications).

Dr. Peter K. Rogan Lab, Western University
No classification provided (evidence only). Condition: Clear cell carcinoma of kidney. Review status: no classification provided. Collection method: in vitro. Allele origin: not applicable. Functional consequence: retained intron. Not counted in ClinVar's aggregate classification.

Dr. Peter K. Rogan Lab, Western University
No classification provided (evidence only). Condition: Familial cancer of breast. Review status: no classification provided. Collection method: in vitro. Allele origin: not applicable. Functional consequence: retained intron. Not counted in ClinVar's aggregate classification.

Dr. Peter K. Rogan Lab, Western University
No classification provided (evidence only). Condition: Colon adenocarcinoma. Review status: no classification provided. Collection method: in vitro. Allele origin: not applicable. Functional consequence: retained intron. Not counted in ClinVar's aggregate classification.

Dr. Peter K. Rogan Lab, Western University
No classification provided (evidence only). Condition: Thyroid cancer, nonmedullary, 1. Review status: no classification provided. Collection method: in vitro. Allele origin: not applicable. Functional consequence: retained intron. Not counted in ClinVar's aggregate classification.

NM_032656.4(DHX37):c.1638C>T (p.Gly546=)

Gene: DHX37 (DEAH-box helicase 37; minus strand). Cytogenetic location: 12q24.31.
Variant type: single nucleotide variant.
Coding change: c.1638C>T on transcript NM_032656.4 (MANE Select); coding-DNA position 1638, C replaced by T.
Protein change: p.Gly546=; no amino-acid change (glycine 546 retained).
Molecular consequence: synonymous variant.
Genome position (GRCh38, 1-based): chr12:124,965,765, G>A on the plus strand (C>T on the coding strand, the complement: DHX37 is on the minus strand). VCF-style: chr12-124965765-G-A. GRCh37 (hg19) VCF-style: chr12-125450311-G-A.
Other names: c.1638C>T (NM_032656.3).
Identifiers: ClinVar variation 1879247 (VCV001879247.36), dbSNP rs200782087, ClinGen allele CA6871926.
Genomic context (GRCh38, chr12:124,965,765, plus strand): 5'-GTCGGAGTCCAGGGCCCCCTCTTCCTCATCCACTTCTGCCTCCCTGTCCTCATCGCCTTC[G>A]CCTGCCGGTAACACCGAGTAATGATCCAAGTTGATCTGGGGCAGCACCTACGGCGAACAA-3'
Protein context (NP_116045.2, residues 536-556): NLDHYSVLPA[Gly546=]EGDEDREAEV